The following is an entry in ClinVar:

NM_001244008.2(KIF1A):c.2721GGA[12] (p.Glu917dup)

Gene: KIF1A (kinesin family member 1A; minus strand). Cytogenetic location: 2q37.3.
Variant type: Microsatellite.
Coding change: c.2721GGA[12] on transcript NM_001244008.2 (MANE Select); 12 copies in a row of the 3-base unit GGA starting at c.2721; the reference has 11 copies in a row; one copy, 3 bases duplicated; also written c.2751_2753dup.
Protein change: p.Glu917dup; duplicates glutamic acid 917.
Molecular consequence: inframe insertion. On other transcripts: intron variant (18).
Genome position (GRCh38, 1-based): chr2:240,757,424-240,757,426, TCC duplicated on the plus strand (GGA on the coding strand, the reverse complement: KIF1A is on the minus strand); duplicating any 3 consecutive bases within chr2:240,757,424-240,757,456 gives the same sequence; the position shown is the placement nearest the transcript's 3' end. VCF-style (leftmost placement, unchanged base first): chr2-240757423-A-ATCC. GRCh37 (hg19) VCF-style: chr2-241696840-A-ATCC.
Other names: c.2751_2753dup (NM_001244008.1); c.2796GGA[12], p.Glu942dup (NM_001379631.1); c.2670GGA[12], p.Glu900dup (NM_001379632.1); c.2694GGA[12], p.Glu908dup (NM_001379633.1, NM_001379642.1, NM_001379645.1); c.2555+904GGA[12] (NM_001379653.1, NM_001379650.1, NM_001379640.1 and 6 more transcripts); c.2657+904GGA[12] (NM_001379635.1, NM_001330290.2, NM_001379646.1 and 1 more transcripts); c.2630+904GGA[12] (NM_001379637.1, NM_001379648.1); c.2582+904GGA[12] (NM_001320705.2, NM_001379638.1, NM_001330289.2); and 1 more.
Identifiers: ClinVar variation 497030 (VCV000497030.49), dbSNP rs10594016, ClinGen allele CA2208031.
Genomic context (GRCh38, chr2:240,757,423, plus strand): 5'-CCGGCCGTCGCACAGCGCGTGCTCCGGAAAGACGTCGTCCTCCAGGTCCTCCTCCTCCTC[A>ATCC]TCCTCCTCCTCCTCCTCCTCCTCCTCCTCCTCCCCCACGCTCTGCTCCTCGGCAGGCTCG-3'

ClinVar aggregate classification (germline): Conflicting classifications of pathogenicity. Review status: criteria provided, conflicting classifications (1 of 4 stars). 10 submissions from 10 submitters: Uncertain significance (1); Benign (6); Likely benign (2). 1 of the submissions does not count toward it. Last evaluated 2026-09-01.

Conditions:
KIF1A related neurological disorder. Identifiers: MedGen CN312623, MONDO:0700055.
KIF1A-related disorder. Also called: KIF1A-related disorders; KIF1A-related condition.

Submissions (10):

CeGaT Center for Human Genetics Tuebingen
Classification: Benign. Last evaluated: 2026-09-01. Review status: criteria provided, single submitter. Criteria: CeGaT Center For Human Genetics Tuebingen Variant Classification Criteria Version 2. Collection method: clinical testing. Allele origin: germline. Affected: yes. Observed: 49 variant alleles.
Comment: KIF1A: BS1, BS2

ARUP Laboratories, Molecular Genetics and Genomics, ARUP Laboratories
Classification: Benign. Last evaluated: 2025-07-08. Review status: criteria provided, single submitter. Criteria: ARUP Molecular Germline Variant Investigation Process 2024. Collection method: clinical testing. Allele origin: germline.

Laboratory of Genetics, Children's Clinical University Hospital Latvia
Classification: Benign. Last evaluated: 2025-02-16. Review status: criteria provided, single submitter. Criteria: ACMG Guidelines, 2015. Collection method: clinical testing. Allele origin: germline. Affected: yes.

Blueprint Genetics
Classification: Likely benign. Last evaluated: 2024-11-26. Review status: criteria provided, single submitter. Criteria: ACMG Guidelines, 2015. Collection method: clinical testing. Allele origin: germline.

Molecular Genetics, Royal Melbourne Hospital
Classification: Benign for KIF1A related neurological disorder. Last evaluated: 2023-05-04. Review status: criteria provided, single submitter. Criteria: ACMG Guidelines, 2015. Collection method: clinical testing. Allele origin: germline. Affected: yes.
Comment: African population allele frequency is 1.878% (rs143816642, 761/38,136 alleles, 3 homozygotes in gnomAD v3.1). Based on the classification scheme RMH Modified ACMG/AMP Guidelines v1.6.1, this variant is classified as BENIGN. Following criteria are met: BA1

Institute for Clinical Genetics, University Hospital TU Dresden, University Hospital TU Dresden
Classification: Uncertain significance. Last evaluated: 2021-11-03. Review status: criteria provided, single submitter. Criteria: ACMG Guidelines, 2015. Collection method: clinical testing. Allele origin: germline.

Athena Diagnostics
Classification: Benign. Last evaluated: 2018-09-28. Review status: criteria provided, single submitter. Criteria: Athena Diagnostics Criteria. Collection method: clinical testing. Allele origin: germline.

Eurofins Ntd Llc (ga)
Classification: Likely benign. Last evaluated: 2016-12-16. Review status: criteria provided, single submitter. Criteria: EGL Classification Definitions 2015. Collection method: clinical testing. Allele origin: germline. Observed: 1 variant allele, 1 heterozygote.

GeneDx
Classification: Benign. Last evaluated: 2015-04-22. Review status: criteria provided, single submitter. Criteria: GeneDx Variant Classification Process June 2021. Collection method: clinical testing. Allele origin: germline. Affected: yes.

PreventionGenetics, part of Exact Sciences
Classification: Benign for KIF1A-related condition. Last evaluated: 2024-07-11. Review status: no assertion criteria provided. Collection method: clinical testing. Allele origin: germline. Not counted in ClinVar's aggregate classification.
Comment: This variant is classified as benign based on ACMG/AMP sequence variant interpretation guidelines (Richards et al. 2015 PMID: 25741868, with internal and published modifications).